The following is an entry in ClinVar:

NM_016222.4(DDX41):c.356G>C (p.Ser119Thr)

Gene: DDX41 (DEAD-box helicase 41; minus strand). Cytogenetic location: 5q35.3.
Variant type: single nucleotide variant.
Coding change: c.356G>C on transcript NM_016222.4 (MANE Select); coding-DNA position 356, G replaced by C.
Protein change: p.Ser119Thr; replaces serine 119 with threonine.
Molecular consequence: missense variant. On other transcripts: 5 prime UTR variant (2).
Genome position (GRCh38, 1-based): chr5:177,516,136, C>G on the plus strand (G>C on the coding strand, the complement: DDX41 is on the minus strand). VCF-style: chr5-177516136-C-G. GRCh37 (hg19) VCF-style: chr5-176943137-C-G.
Other names: c.-23G>C (NM_001321732.2, NM_001321830.2); short protein forms S119T.
Identifiers: ClinVar variation 3838945 (VCV003838945.1).

ClinVar aggregate classification (germline): Uncertain significance (1 of 4 stars; one submission).

Conditions:
Inborn genetic diseases. Identifiers: MedGen C0950123, MeSH D030342.

Submission:

Ambry Genetics
Classification: Uncertain significance for Inborn genetic diseases. Last evaluated: 2024-12-16. Review status: criteria provided, single submitter. Criteria: Ambry Variant Classification Scheme 2023. Collection method: clinical testing. Allele origin: germline.
Comment: The p.S119T variant (also known as c.356G>C), located in coding exon 4 of the DDX41 gene, results from a G to C substitution at nucleotide position 356. The serine at codon 119 is replaced by threonine, an amino acid with similar properties. This amino acid position is conserved. In addition, this alteration is predicted to be tolerated by in silico analysis. Based on the available evidence, the clinical significance of this variant remains unclear.